The following is an entry in ClinVar:

NM_016222.4(DDX41):c.1262T>G (p.Met421Arg)

Gene: DDX41 (DEAD-box helicase 41; minus strand). Cytogenetic location: 5q35.3.
Variant type: single nucleotide variant.
Coding change: c.1262T>G on transcript NM_016222.4 (MANE Select); coding-DNA position 1262, T replaced by G.
Protein change: p.Met421Arg; replaces methionine 421 with arginine.
Molecular consequence: missense variant.
Genome position (GRCh38, 1-based): chr5:177,513,051, A>C on the plus strand (T>G on the coding strand, the complement: DDX41 is on the minus strand). VCF-style: chr5-177513051-A-C. GRCh37 (hg19) VCF-style: chr5-176940052-A-C.
Other names: c.884T>G, p.Met295Arg (NM_001321732.2, NM_001321830.2); short protein forms M295R, M421R.
Identifiers: ClinVar variation 3500548 (VCV003500548.3).

ClinVar aggregate classification (germline): Uncertain significance (1 of 4 stars; one submission).

Conditions:
Inborn genetic diseases. Identifiers: MedGen C0950123, MeSH D030342.

Submission:

Ambry Genetics
Classification: Uncertain significance for Inborn genetic diseases. Last evaluated: 2026-06-11. Review status: criteria provided, single submitter. Criteria: Ambry Variant Classification Scheme 2023. Collection method: clinical testing. Allele origin: germline.
Comment: The p.M421R variant (also known as c.1262T>G), located in coding exon 12 of the DDX41 gene, results from a T to G substitution at nucleotide position 1262. The methionine at codon 421 is replaced by arginine, an amino acid with similar properties. This amino acid position is conserved. In silico splice site analysis predicts that this alteration will not have any significant effect on splicing; however, direct evidence is insufficient at this time (Ambry internal data). In addition, this alteration is predicted to be deleterious by in silico analysis. Based on the available evidence, the clinical significance of this variant remains unclear.